The following is an entry in ClinVar:

NM_018489.3(ASH1L):c.7421+6T>C

Gene: ASH1L (ASH1 like histone lysine methyltransferase; minus strand). Cytogenetic location: 1q22.
Variant type: single nucleotide variant.
Coding change: c.7421+6T>C on transcript NM_018489.3 (MANE Select); 6 bases into the intron after coding-DNA position 7421, T replaced by C.
Molecular consequence: intron variant.
Genome position (GRCh38, 1-based): chr1:155,349,536, A>G on the plus strand (T>C on the coding strand, the complement: ASH1L is on the minus strand). VCF-style: chr1-155349536-A-G. GRCh37 (hg19) VCF-style: chr1-155319327-A-G.
Other names: c.7436+6T>C (NM_001366177.2).
Identifiers: ClinVar variation 1803731 (VCV001803731.1), dbSNP rs2525715724, ClinGen allele CA2580061125.
Genomic context (GRCh38, chr1:155,349,536, plus strand): 5'-GGGTGTCAATCTGGCACACTTAGCACTTTTTAAAAACTCAGATGATTCCCACAAATGTGA[A>G]CCTACTTTTTCTTTGGGGGAAGGTTCAAAAGTGGAGCTGCCAGTGCTTGCCGGGAAGAAT-3'

ClinVar aggregate classification (germline): Uncertain significance (1 of 4 stars; one submission).

Conditions:
Intellectual developmental disorder, autosomal dominant 52. Also called: Intellectual disability, autosomal dominant 52; Mental retardation, autosomal dominant 52. Identifiers: MedGen C4540478, MONDO:0030918, OMIM 617796.

Submission:

HudsonAlpha Institute for Biotechnology
Classification: Uncertain significance for Intellectual developmental disorder, autosomal dominant 52. Last evaluated: 2021-10-10. Review status: criteria provided, single submitter. Criteria: ACMG Guidelines, 2015. Collection method: research. Allele origin: de novo. Observed: 1 variant allele. Study: HudsonAlpha-AGHI-WGS.
Comment: ACMG codes:PM2